The following is an entry in ClinVar:

NM_022168.4(IFIH1):c.109T>C (p.Phe37Leu)

Gene: IFIH1 (interferon induced with helicase C domain 1; minus strand). Cytogenetic location: 2q24.2.
Variant type: single nucleotide variant.
Coding change: c.109T>C on transcript NM_022168.4 (MANE Select); coding-DNA position 109, T replaced by C.
Protein change: p.Phe37Leu; replaces phenylalanine 37 with leucine.
Molecular consequence: missense variant.
Genome position (GRCh38, 1-based): chr2:162,318,199, A>G on the plus strand (T>C on the coding strand, the complement: IFIH1 is on the minus strand). VCF-style: chr2-162318199-A-G. GRCh37 (hg19) VCF-style: chr2-163174709-A-G.
Other names: short protein forms F37L.
Identifiers: ClinVar variation 1002134 (VCV001002134.10), dbSNP rs888356659, ClinGen allele CA349014383.

ClinVar aggregate classification (germline): Uncertain significance. Review status: criteria provided, multiple submitters, no conflicts (2 of 4 stars). 2 submissions from 2 submitters: Uncertain significance (2). Last evaluated 2024-07-31.

Conditions:
Singleton-Merten syndrome 1 (SGMRT1). Also called: Widened medullary cavities of bone, aortic calcification, abnormal dentition, and muscular weakness; Syndrome of widened medullary cavities of the metacarpals and phalanges, aortic calcification and abnormal dentition. Identifiers: Orphanet 85191, MedGen C4225427, MONDO:0024535, OMIM 182250.
Aicardi-Goutieres syndrome 7 (AGS7). Identifiers: Orphanet 51, MedGen C3888244, MONDO:0014367, OMIM 615846.

Allele frequency attached by ClinVar (database versions not stated): gnomAD exomes below 0.00001; gnomAD 0.00001; TOPMed 0.00001.

Submissions (2):

Labcorp Genetics (formerly Invitae), Labcorp
Classification: Uncertain significance for Aicardi-Goutieres syndrome 7; Singleton-Merten syndrome 1. Last evaluated: 2024-07-31. Review status: criteria provided, single submitter. Criteria: Invitae Variant Classification Sherloc (09022015). Collection method: clinical testing. Allele origin: germline.
Comment: This sequence change replaces phenylalanine, which is neutral and non-polar, with leucine, which is neutral and non-polar, at codon 37 of the IFIH1 protein (p.Phe37Leu). This variant is present in population databases (no rsID available, gnomAD 0.007%). This variant has not been reported in the literature in individuals affected with IFIH1-related conditions. ClinVar contains an entry for this variant (Variation ID: 1002134). Advanced modeling of protein sequence and biophysical properties (such as structural, functional, and spatial information, amino acid conservation, physicochemical variation, residue mobility, and thermodynamic stability) has been performed at Invitae for this missense variant, however the output from this modeling did not meet the statistical confidence thresholds required to predict the impact of this variant on IFIH1 protein function. In summary, the available evidence is currently insufficient to determine the role of this variant in disease. Therefore, it has been classified as a Variant of Uncertain Significance.

Baylor Genetics
Classification: Uncertain significance for Aicardi-Goutieres syndrome 7. Last evaluated: 2018-03-13. Review status: criteria provided, single submitter. Criteria: ACMG Guidelines, 2015. Collection method: clinical testing. Allele origin: paternal. Affected: yes.
Comment: This variant was determined to be of uncertain significance according to ACMG Guidelines, 2015 [PMID:25741868].